The following is an entry in ClinVar:

ClinVar aggregate classification (germline): Likely benign (1 of 4 stars; one submission).

Allele frequency attached by ClinVar (database versions not stated): TOPMed 0.00002; gnomAD 0.00001.

Submission:

GeneDx
Classification: Likely benign. Last evaluated: 2016-12-07. Review status: criteria provided, single submitter. Criteria: GeneDx Variant Classification (06012015). Collection method: clinical testing. Allele origin: germline. Affected: yes.
Comment: This variant is considered likely benign or benign based on one or more of the following criteria: it is a conservative change, it occurs at a poorly conserved position in the protein, it is predicted to be benign by multiple in silico algorithms, and/or has population frequency not consistent with disease.

NM_001330260.2(SCN8A):c.-61C>T

Gene: SCN8A (sodium voltage-gated channel alpha subunit 8; plus strand). Cytogenetic location: 12q13.13.
Variant type: single nucleotide variant.
Coding change: c.-61C>T on transcript NM_001330260.2 (MANE Select); 61 bases upstream of the start codon, C replaced by T.
Molecular consequence: 5 prime UTR variant.
Genome position (GRCh38, 1-based): chr12:51,591,353, C>T. VCF-style: chr12-51591353-C-T. GRCh37 (hg19) VCF-style: chr12-51985137-C-T.
Other names: c.-61C>T (NM_001177984.3, NM_001369788.1, NM_014191.4).
Identifiers: ClinVar variation 379153 (VCV000379153.1), dbSNP rs1032376116, ClinGen allele CA16606297.
Genomic context (GRCh38, chr12:51,591,353, plus strand): 5'-CAGTCCGGCCGCGCCTCCCGGGCCCCGCGTTAGGGCCGCCGCTGCCTCCCTCGCCGCCGC[C>T]GCTGCCGTAAGTCGCCCCAGAGCCCCCGCCCTAGCGCTGCTTCCTGCCCTCCGGGTTTCC-3'